The following is an entry in ClinVar:

NM_032043.3(BRIP1):c.1322T>G (p.Val441Gly)

Gene: BRIP1 (BRCA1 interacting DNA helicase 1; minus strand). Cytogenetic location: 17q23.2.
Variant type: single nucleotide variant.
Coding change: c.1322T>G on transcript NM_032043.3 (MANE Select); coding-DNA position 1322, T replaced by G.
Protein change: p.Val441Gly; replaces valine 441 with glycine.
Molecular consequence: missense variant.
Genome position (GRCh38, 1-based): chr17:61,799,118, A>C on the plus strand (T>G on the coding strand, the complement: BRIP1 is on the minus strand). VCF-style: chr17-61799118-A-C. GRCh37 (hg19) VCF-style: chr17-59876479-A-C.
Other names: c.1322T>G (NM_032043.2); short protein forms V441G.
Identifiers: ClinVar variation 1061736 (VCV001061736.11), dbSNP rs1458068665, ClinGen allele CA400483386.

ClinVar aggregate classification (germline): Uncertain significance. Review status: criteria provided, multiple submitters, no conflicts (2 of 4 stars). 2 submissions from 2 submitters: Uncertain significance (2). Last evaluated 2025-12-17.

Conditions:
Familial cancer of breast. Also called: hereditary breast carcinoma; BREAST CANCER, FAMILIAL; Hereditary breast cancer. Identifiers: Orphanet 227535, MedGen C0346153, MONDO:0016419, OMIM 114480. Disease mechanism: loss of function.
Fanconi anemia complementation group J. Also called: BRIP1-Related Fanconi Anemia. Identifiers: Orphanet 84, MedGen C1836860, MONDO:0012187, OMIM 609054.
Hereditary cancer-predisposing syndrome. Also called: Tumor predisposition; Neoplastic Syndromes, Hereditary; Hereditary Cancer Syndrome; Hereditary neoplastic syndrome. Identifiers: Orphanet 140162, MedGen C0027672, MeSH D009386, MONDO:0015356.

Submissions (2):

Labcorp Genetics (formerly Invitae), Labcorp
Classification: Uncertain significance for Familial cancer of breast; Fanconi anemia complementation group J. Last evaluated: 2025-12-17. Review status: criteria provided, single submitter. Criteria: Invitae Variant Classification Sherloc (09022015). Collection method: clinical testing. Allele origin: germline.
Comment: This sequence change replaces valine, which is neutral and non-polar, with glycine, which is neutral and non-polar, at codon 441 of the BRIP1 protein (p.Val441Gly). This variant is not present in population databases (gnomAD no frequency). This variant has not been reported in the literature in individuals affected with BRIP1-related conditions. ClinVar contains an entry for this variant (Variation ID: 1061736). Invitae Evidence Modeling of protein sequence and biophysical properties (such as structural, functional, and spatial information, amino acid conservation, physicochemical variation, residue mobility, and thermodynamic stability) indicates that this missense variant is expected to disrupt BRIP1 protein function with a positive predictive value of 95%. In summary, the available evidence is currently insufficient to determine the role of this variant in disease. Therefore, it has been classified as a Variant of Uncertain Significance.

Ambry Genetics
Classification: Uncertain significance for Hereditary cancer-predisposing syndrome. Last evaluated: 2023-12-14. Review status: criteria provided, single submitter. Criteria: Ambry Variant Classification Scheme 2023. Collection method: clinical testing. Allele origin: germline.
Comment: The p.V441G variant (also known as c.1322T>G), located in coding exon 8 of the BRIP1 gene, results from a T to G substitution at nucleotide position 1322. The valine at codon 441 is replaced by glycine, an amino acid with dissimilar properties. This amino acid position is conserved. In addition, the in silico prediction for this alteration is inconclusive. Since supporting evidence is limited at this time, the clinical significance of this alteration remains unclear.